The following is an entry in ClinVar:

NM_002485.5(NBN):c.911C>T (p.Pro304Leu)

Gene: NBN (nibrin; minus strand). Cytogenetic location: 8q21.3.
Variant type: single nucleotide variant.
Coding change: c.911C>T on transcript NM_002485.5 (MANE Select); coding-DNA position 911, C replaced by T.
Protein change: p.Pro304Leu; replaces proline 304 with leucine.
Molecular consequence: missense variant.
Genome position (GRCh38, 1-based): chr8:89,964,493, G>A on the plus strand (C>T on the coding strand, the complement: NBN is on the minus strand). VCF-style: chr8-89964493-G-A. GRCh37 (hg19) VCF-style: chr8-90976721-G-A.
Other names: c.665C>T, p.Pro222Leu (NM_001024688.3); short protein forms P304L, P222L.
Identifiers: ClinVar variation 239209 (VCV000239209.14), dbSNP rs536965870, ClinGen allele CA4802848.
Genomic context (GRCh38, chr8:89,964,493, plus strand): 5'-TCACAGTAATTCTTTGTAGTCATGAAAATCACCGCCAATCCAATTTCTGCTTCAGGAATA[G>A]GTCTAAGACCTTGCCTATTAGAATAAAATAGTTTAAGTATGATAATATATTAAAACTAGC-3'
Protein context (NP_002476.2, residues 294-314): MDMLQRQGLR[Pro304Leu]IPEAEIGLAV

ClinVar aggregate classification (germline): Uncertain significance. Review status: criteria provided, multiple submitters, no conflicts (2 of 4 stars). 4 submissions from 4 submitters: Uncertain significance (3). 1 of the submissions does not count toward it. Last evaluated 2025-09-19.

Conditions:
Hereditary cancer-predisposing syndrome. Also called: Neoplastic Syndromes, Hereditary; Tumor predisposition; Hereditary neoplastic syndrome; Hereditary Cancer Syndrome. Identifiers: Orphanet 140162, MedGen C0027672, MeSH D009386, MONDO:0015356.
Microcephaly, normal intelligence and immunodeficiency (NBS). Also called: Ataxia telangiectasia variant V1; Nijmegen breakage syndrome; Microcephaly with normal intelligence immunodeficiency and lymphoreticular malignancies; Nonsyndromal microcephaly autosomal recessive with normal intelligence; Seemanova syndrome 2; IMMUNODEFICIENCY, MICROCEPHALY, AND CHROMOSOMAL INSTABILITY. Identifiers: Orphanet 647, MedGen C0398791, MONDO:0009623, OMIM 251260.

Allele frequency attached by ClinVar (database versions not stated): gnomAD 0.00001; 1000 Genomes Project 30x 0.00016; 1000 Genomes Project 0.00020; gnomAD exomes 0.00002; ExAC 0.00003.
gnomAD v4.1: 12 of 1,599,318 alleles (0.00075%); highest among the groups gnomAD compares: South Asian, 0.013%; no homozygotes.

Submissions (4):

Ambry Genetics
Classification: Uncertain significance for Hereditary cancer-predisposing syndrome. Last evaluated: 2025-09-19. Review status: criteria provided, single submitter. Criteria: Ambry Variant Classification Scheme 2023. Collection method: clinical testing. Allele origin: germline.
Comment: The p.P304L variant (also known as c.911C>T), located in coding exon 8 of the NBN gene, results from a C to T substitution at nucleotide position 911. The proline at codon 304 is replaced by leucine, an amino acid with similar properties. This variant was observed in an individual with early onset-breast cancer amongst a cohort of 1781 non-Ashkenazi Jewish individuals undergoing BRCA1/2 gene testing based on a personal history of breast cancer (Tung N et al. Cancer, 2015 Jan;121:25-33). This amino acid position is well conserved in available vertebrate species. In addition, this alteration is predicted to be tolerated by in silico analysis. Since supporting evidence is limited at this time, the clinical significance of this alteration remains unclear.

Labcorp Genetics (formerly Invitae), Labcorp
Classification: Uncertain significance for Microcephaly, normal intelligence and immunodeficiency. Last evaluated: 2025-04-08. Review status: criteria provided, single submitter. Criteria: Invitae Variant Classification Sherloc (09022015). Collection method: clinical testing. Allele origin: germline.
Comment: This sequence change replaces proline, which is neutral and non-polar, with leucine, which is neutral and non-polar, at codon 304 of the NBN protein (p.Pro304Leu). This variant is present in population databases (rs536965870, gnomAD 0.02%). This variant has not been reported in the literature in individuals affected with NBN-related conditions. ClinVar contains an entry for this variant (Variation ID: 239209). An algorithm developed to predict the effect of missense changes on protein structure and function (PolyPhen-2) suggests that this variant is likely to be tolerated. In summary, the available evidence is currently insufficient to determine the role of this variant in disease. Therefore, it has been classified as a Variant of Uncertain Significance.

Genome-Nilou Lab
Classification: Uncertain significance for Microcephaly, normal intelligence and immunodeficiency. Last evaluated: 2021-11-07. Review status: criteria provided, single submitter. Criteria: ACMG Guidelines, 2015. Collection method: clinical testing. Allele origin: germline. Affected: no.

Natera, Inc.
Classification: Uncertain significance for Nijmegen breakage syndrome. Last evaluated: 2020-09-16. Review status: no assertion criteria provided. Collection method: clinical testing. Allele origin: germline. Not counted in ClinVar's aggregate classification.

Literature cited by the submitters: PubMed 25186627 (cited by Ambry Genetics).